The following is an entry in ClinVar:

ClinVar aggregate classification (germline): Uncertain significance (1 of 4 stars; one submission).

Conditions:
Hereditary cancer-predisposing syndrome. Also called: Neoplastic Syndromes, Hereditary; Hereditary Cancer Syndrome; Tumor predisposition; Hereditary neoplastic syndrome. Identifiers: Orphanet 140162, MedGen C0027672, MeSH D009386, MONDO:0015356.

Submission:

Ambry Genetics
Classification: Uncertain significance for Hereditary cancer-predisposing syndrome. Last evaluated: 2025-01-18. Review status: criteria provided, single submitter. Criteria: Ambry Variant Classification Scheme 2023. Collection method: clinical testing. Allele origin: germline.
Comment: The p.K969R variant (also known as c.2906A>G), located in coding exon 25 of the POLE gene, results from an A to G substitution at nucleotide position 2906. The lysine at codon 969 is replaced by arginine, an amino acid with highly similar properties. This amino acid position is highly conserved in available vertebrate species. In addition, the in silico prediction for this alteration is inconclusive. Based on the available evidence, the clinical significance of this variant remains unclear.

NM_006231.4(POLE):c.2906A>G (p.Lys969Arg)

Gene: POLE (DNA polymerase epsilon, catalytic subunit; minus strand). Cytogenetic location: 12q24.33.
Variant type: single nucleotide variant.
Coding change: c.2906A>G on transcript NM_006231.4 (MANE Select); coding-DNA position 2906, A replaced by G.
Protein change: p.Lys969Arg; replaces lysine 969 with arginine.
Molecular consequence: missense variant.
Genome position (GRCh38, 1-based): chr12:132,661,123, T>C on the plus strand (A>G on the coding strand, the complement: POLE is on the minus strand). VCF-style: chr12-132661123-T-C. GRCh37 (hg19) VCF-style: chr12-133237709-T-C.
Other names: short protein forms K969R.
Identifiers: ClinVar variation 3781519 (VCV003781519.1).